The following is an entry in ClinVar:

ClinVar aggregate classification (germline): Likely benign. Review status: reviewed by expert panel (3 of 4 stars). 10 submissions from 8 submitters: Likely benign (1). 9 of the submissions do not count toward it. Last evaluated 2024-08-13.

Conditions:
VWF-related disorder. Also called: VWF-related condition; VWF-related disorders.
Hereditary von Willebrand disease. Identifiers: Orphanet 903, MedGen C5703318, MONDO:0019565. Inheritance: Autosomal recessive or Autosomal dominant.
von Willebrand disease type 1 (VWD1). Also called: VWD, TYPE 1; VON WILLEBRAND DISEASE, TYPE I. Identifiers: Orphanet 166078, Orphanet 903, MedGen C1264039, MONDO:0008668, OMIM 193400. Inheritance: autosomal recessive or autosomal dominant.
von Willebrand disease type 3 (VWD3). Also called: Type 3 Von Willebrand's disease; Type 3 VWD; Von Willebrand disease, severe form; V WD3; VON WILLEBRAND DISEASE, TYPE III. Identifiers: Orphanet 166096, MedGen C1264041, MONDO:0010191, OMIM 277480.
von Willebrand disease type 2 (VWD2). Also called: VWD, TYPE 2; VON WILLEBRAND DISEASE, TYPE II; VON WILLEBRAND DISEASE, TYPE 2A/IIE; VON WILLEBRAND DISEASE, TYPE 2CB. Identifiers: Orphanet 166081, Orphanet 903, MedGen C1264040, MONDO:0013304, OMIM 613554.

Allele frequency attached by ClinVar (database versions not stated): gnomAD exomes 0.00194 and 0.00513; ExAC 0.00614; gnomAD 0.02060 and 0.02215; 1000 Genomes Project 0.02157; ESP Exome Variant Server 0.02353; TOPMed 0.02365; 1000 Genomes Project 30x 0.02374.
gnomAD v4.1: 6,111 of 1,613,814 alleles (0.38%); highest among the groups gnomAD compares: African/African-American, 7%; 191 homozygotes.

Submissions (10):

ClinGen von Willebrand Disease Variant Curation Expert Panel, ClinGen
Classification: Likely benign for Hereditary von Willebrand disease. Last evaluated: 2024-08-13. Review status: reviewed by expert panel. Criteria: ClinGen VWD 2A B M Rules. Collection method: curation. Allele origin: germline.
Comment: NM_000552.5(VWF):c.7997C>T is a missense variant that substitutes threonine for methionine at position 2666. The Grpmax filtering allele frequency in gnomAD v4.0 is 0.06826 (based on 5238/74998 alleles in the African/African American population) which is higher than the ClinGen VWD VCEP threshold (>0.01) for BS1, and therefore meets this criterion (BS1). While this variant has been observed in healthy control individuals (PMID: 22197721), BS2 is not being used due to penetrance issues. The computational predictor REVEL gives a score of 0.027, which is below the ClinGen VWD VCEP threshold of <0.290 and does not predict a damaging effect on VWF function (BP4). Additionally, the computational splicing predictor SpliceAI indicated that the variant has no impact on splicing. In summary, this variant meets the criteria to be classified as likely benign for von Willebrand disease based on the ACMG/AMP criteria applied, as specified by the ClinGen VWD VCEP: BS1, BP4.

ARUP Laboratories, Molecular Genetics and Genomics, ARUP Laboratories
Classification: Benign. Last evaluated: 2025-07-01. Review status: criteria provided, single submitter. Criteria: ARUP Molecular Germline Variant Investigation Process 2024. Collection method: clinical testing. Allele origin: germline. Not counted in ClinVar's aggregate classification.

Quest Diagnostics Nichols Institute San Juan Capistrano
Classification: Benign. Last evaluated: 2023-03-29. Review status: criteria provided, single submitter. Criteria: Quest Diagnostics criteria. Collection method: clinical testing. Allele origin: unknown. Not counted in ClinVar's aggregate classification.

Mayo Clinic Laboratories, Mayo Clinic
Classification: Benign. Last evaluated: 2022-03-03. Review status: criteria provided, single submitter. Criteria: ACMG Guidelines, 2015. Collection method: clinical testing. Allele origin: germline. Observed: 14 variant alleles. Not counted in ClinVar's aggregate classification.
Comment: BS1, BS2, BP4

Genome-Nilou Lab
Classification: Benign for von Willebrand disease type 1. Last evaluated: 2021-12-05. Review status: criteria provided, single submitter. Criteria: ACMG Guidelines, 2015. Collection method: clinical testing. Allele origin: germline. Affected: no. Not counted in ClinVar's aggregate classification.

Genome-Nilou Lab
Classification: Benign for von Willebrand disease type 3. Last evaluated: 2021-12-05. Review status: criteria provided, single submitter. Criteria: ACMG Guidelines, 2015. Collection method: clinical testing. Allele origin: germline. Affected: no. Not counted in ClinVar's aggregate classification.

Genome-Nilou Lab
Classification: Benign for von Willebrand disease type 2. Last evaluated: 2021-12-05. Review status: criteria provided, single submitter. Criteria: ACMG Guidelines, 2015. Collection method: clinical testing. Allele origin: germline. Affected: no. Not counted in ClinVar's aggregate classification.

Center for Pediatric Genomic Medicine, Children's Mercy Hospital and Clinics
Classification: Likely benign. Last evaluated: 2015-08-25. Review status: criteria provided, single submitter. Criteria: ACMG Guidelines, 2015. Collection method: clinical testing. Allele origin: germline. Not counted in ClinVar's aggregate classification.
ClinVar note: Converted during submission from Likely Benign to Likely benign.

Breakthrough Genomics
Classification: Likely benign. Review status: criteria provided, single submitter. Criteria: ACMG Guidelines, 2015. Collection method: not provided. Allele origin: germline. Inheritance: Autosomal recessive inheritance. Affected: yes. Not counted in ClinVar's aggregate classification.

PreventionGenetics, part of Exact Sciences
Classification: Benign for VWF-related condition. Last evaluated: 2019-03-19. Review status: no assertion criteria provided. Collection method: clinical testing. Allele origin: germline. Not counted in ClinVar's aggregate classification.
Comment: This variant is classified as benign based on ACMG/AMP sequence variant interpretation guidelines (Richards et al. 2015 PMID: 25741868, with internal and published modifications).

Literature cited by the submitters: PubMed 22197721 (cited by Quest Diagnostics Nichols Institute San Juan Capistrano).

NM_000552.5(VWF):c.7997C>T (p.Thr2666Met)

Gene: VWF (von Willebrand factor; minus strand). Cytogenetic location: 12p13.31.
Variant type: single nucleotide variant.
Coding change: c.7997C>T on transcript NM_000552.5 (MANE Select); coding-DNA position 7997, C replaced by T.
Protein change: p.Thr2666Met; replaces threonine 2666 with methionine.
Molecular consequence: missense variant.
Genome position (GRCh38, 1-based): chr12:5,952,509, G>A on the plus strand (C>T on the coding strand, the complement: VWF is on the minus strand). VCF-style: chr12-5952509-G-A. GRCh37 (hg19) VCF-style: chr12-6061675-G-A.
Other names: NM_000552.5(VWF):c.7997C>T; p.Thr2666Met; short protein forms T2666M.
Identifiers: ClinVar variation 235639 (VCV000235639.20), dbSNP rs78353028, ClinGen allele CA6401422.